The following is an entry in ClinVar:

NM_007078.3(LDB3):c.732C>G (p.Pro244=)

Gene: LDB3 (LIM domain binding 3; plus strand). Cytogenetic location: 10q23.2.
Variant type: single nucleotide variant.
Coding change: c.732C>G on transcript NM_007078.3 (MANE Select); coding-DNA position 732, C replaced by G.
Protein change: p.Pro244=; no amino-acid change (proline 244 retained).
Molecular consequence: synonymous variant.
Genome position (GRCh38, 1-based): chr10:86,691,938, C>G. VCF-style: chr10-86691938-C-G. GRCh37 (hg19) VCF-style: chr10-88451695-C-G.
Other names: c.591C>G, p.Pro197= (NM_001080114.2, NM_001080116.1, NM_001368066.1 and 2 more transcripts); c.732C>G, p.Pro244= (NM_001080115.2, NM_001368063.1, NM_001368064.1 and 1 more transcripts); c.936C>G, p.Pro312= (NM_001171610.2, NM_001171611.2).
Identifiers: ClinVar variation 2797942 (VCV002797942.3), dbSNP rs144509718, ClinGen allele CA470304144.

ClinVar aggregate classification (germline): Uncertain significance (1 of 4 stars; one submission).

Conditions:
Myofibrillar myopathy 4. Also called: Zaspopathy (type). Identifiers: Orphanet 98912, MedGen C4721886, MONDO:0012277, OMIM 609452.

Submission:

Labcorp Genetics (formerly Invitae), Labcorp
Classification: Uncertain significance for Myofibrillar myopathy 4. Last evaluated: 2023-03-10. Review status: criteria provided, single submitter. Criteria: Invitae Variant Classification Sherloc (09022015). Collection method: clinical testing. Allele origin: germline.
Comment: In summary, the available evidence is currently insufficient to determine the role of this variant in disease. Therefore, it has been classified as a Variant of Uncertain Significance. Algorithms developed to predict the effect of sequence changes on RNA splicing suggest that this variant may disrupt the consensus splice site. This variant has not been reported in the literature in individuals affected with LDB3-related conditions. This variant is not present in population databases (gnomAD no frequency). This sequence change affects codon 197 of the LDB3 mRNA. It is a 'silent' change, meaning that it does not change the encoded amino acid sequence of the LDB3 protein.